The following is an entry in ClinVar:

NM_133259.4(LRPPRC):c.3130C>T (p.Arg1044Ter)

Gene: LRPPRC (leucine rich pentatricopeptide repeat containing; minus strand). Cytogenetic location: 2p21.
Variant type: single nucleotide variant.
Coding change: c.3130C>T on transcript NM_133259.4 (MANE Select); coding-DNA position 3130, C replaced by T.
Protein change: p.Arg1044Ter; replaces arginine 1044 with a stop codon.
Molecular consequence: nonsense.
Genome position (GRCh38, 1-based): chr2:43,918,043, G>A on the plus strand (C>T on the coding strand, the complement: LRPPRC is on the minus strand). VCF-style: chr2-43918043-G-A. GRCh37 (hg19) VCF-style: chr2-44145182-G-A.
Other names: short protein forms R1044*.
Identifiers: ClinVar variation 633291 (VCV000633291.3), dbSNP rs1558936154, ClinGen allele CA346667938.

ClinVar aggregate classification (germline): Likely pathogenic. Review status: criteria provided, multiple submitters, no conflicts (2 of 4 stars). 2 submissions from 2 submitters: Likely pathogenic (2). Last evaluated 2025-05-22.

Conditions:
Congenital lactic acidosis, Saguenay-Lac-Saint-Jean type (MC4DN5). Also called: MITOCHONDRIAL COMPLEX IV DEFICIENCY, NUCLEAR TYPE 5; CYTOCHROME c OXIDASE DEFICIENCY, FRENCH CANADIAN TYPE; COX DEFICIENCY, FRENCH CANADIAN TYPE. Identifiers: Orphanet 70472, MedGen C1857355, MONDO:0009069, OMIM 220111.

Allele frequency attached by ClinVar (database versions not stated): TOPMed below 0.00001.
gnomAD v4.1: 1 of 1,596,070 alleles (0.000063%); no homozygotes.

Submissions (2):

Natera, Inc.
Classification: Likely pathogenic for French-Canadian type Leigh syndrome. Last evaluated: 2025-05-22. Review status: criteria provided, single submitter. Criteria: Natera Variant Classification Schema (03/2026). Collection method: clinical testing. Allele origin: germline.
Comment: The c.3130C>T variant in LRPPRC is a nonsense variant predicted to introduce a stop codon at amino acid 1044. This variant is expected to result in nonsense mediated decay, truncation, or a dysfunctional protein product. This variant is rare in the general population with a frequency below the threshold expected for the associated phenotype(s). Given the available evidence, this variant is classified as Likely Pathogenic.

Women's Health and Genetics/Laboratory Corporation of America, LabCorp
Classification: Likely pathogenic for Leigh syndrome, French Canadian type. Last evaluated: 2018-11-16. Review status: criteria provided, single submitter. Criteria: LabCorp Variant Classification Summary - May 2015. Collection method: clinical testing. Allele origin: germline.
Comment: Variant summary: LRPPRC c.3130C>T (p.Arg1044X) results in a premature termination codon, predicted to cause a truncation of the encoded protein or absence of the protein due to nonsense mediated decay, which are commonly known mechanisms for disease. The variant was absent in 246102 control chromosomes (gnomAD). c.3130C>T has been reported in the literature as a case report in at-least one compound heterozygous individual, together with two missense variants (c.3430C>T (p.Arg1144Cys) and c.4078G>A (p.Ala1360Thr). This patient was affected with a milder phenotype of Leigh Syndrome, French-Canadian Type (Han 2017). The variant was incorrectly reported by the authors at the protein-level as p.Arg1044Cys instead of p.Arg1044X, possibly due to a typographical error as the remaining variants seemed to match the single and only canonical transcript for this gene. It also corroborates the annotation in the HGMD database as p.Arg1044X. Therefore, these data do not allow any conclusion about variant significance. To our knowledge, no variant specific experimental evidence demonstrating an impact on protein function has been reported, though the patient described by Han et al. 2017 had characteristic muscle biopsy findings demonstrating respiratory complex IV defect. No clinical diagnostic laboratories have submitted clinical-significance assessments for this variant to ClinVar after 2014. Based on the evidence outlined above, the variant was classified as likely pathogenic.

Literature cited by the submitters: PubMed 29152527 (cited by Women's Health and Genetics/Laboratory Corporation of America, LabCorp).